The following is an entry in ClinVar:

ClinVar aggregate classification (germline): Uncertain significance. Review status: criteria provided, multiple submitters, no conflicts (2 of 4 stars). 2 submissions from 2 submitters: Uncertain significance (2). Last evaluated 2024-11-10.

Conditions:
Inborn genetic diseases. Identifiers: MedGen C0950123, MeSH D030342.
Mosaic variegated aneuploidy syndrome 1 (MVA1). Also called: Warburton-Anyane-Yeboa syndrome. Identifiers: Orphanet 1052, MedGen C1850343, MONDO:0009759, OMIM 257300.

Submissions (2):

Ambry Genetics
Classification: Uncertain significance for Inborn genetic diseases. Last evaluated: 2024-11-10. Review status: criteria provided, single submitter. Criteria: Ambry Variant Classification Scheme 2023. Collection method: clinical testing. Allele origin: germline.

Labcorp Genetics (formerly Invitae), Labcorp
Classification: Uncertain significance for Mosaic variegated aneuploidy syndrome 1. Last evaluated: 2020-03-17. Review status: criteria provided, single submitter. Criteria: Invitae Variant Classification Sherloc (09022015). Collection method: clinical testing. Allele origin: germline.
Comment: This sequence change replaces arginine with glycine at codon 60 of the BUB1B protein (p.Arg60Gly). The arginine residue is weakly conserved and there is a moderate physicochemical difference between arginine and glycine. This variant is not present in population databases (ExAC no frequency). This variant has not been reported in the literature in individuals with BUB1B-related conditions. Algorithms developed to predict the effect of missense changes on protein structure and function are either unavailable or do not agree on the potential impact of this missense change (SIFT: "Tolerated"; PolyPhen-2: "Possibly Damaging"; Align-GVGD: "Class C0"). Algorithms developed to predict the effect of sequence changes on RNA splicing suggest that this variant may disrupt the consensus splice site, but this prediction has not been confirmed by published transcriptional studies. In summary, the available evidence is currently insufficient to determine the role of this variant in disease. Therefore, it has been classified as a Variant of Uncertain Significance.

NM_001211.6(BUB1B):c.178C>G (p.Arg60Gly)

Gene: BUB1B (BUB1 mitotic checkpoint serine/threonine kinase B; plus strand). Cytogenetic location: 15q15.1.
Variant type: single nucleotide variant.
Coding change: c.178C>G on transcript NM_001211.6 (MANE Select); coding-DNA position 178, C replaced by G.
Protein change: p.Arg60Gly; replaces arginine 60 with glycine.
Molecular consequence: missense variant.
Genome position (GRCh38, 1-based): chr15:40,165,195, C>G. VCF-style: chr15-40165195-C-G. GRCh37 (hg19) VCF-style: chr15-40457396-C-G.
Other names: short protein forms R60G.
Identifiers: ClinVar variation 1016105 (VCV001016105.13), dbSNP rs748915007, ClinGen allele CA391677357.
Genomic context (GRCh38, chr15:40,165,195, plus strand): 5'-ACGCTTCAGGGAGCACTGGCACAAGAATCTGCCTGTAACAATACTCTTCAGCAGCAGAAA[C>G]GGTGTGTAGAATGGCTGAGTCTCAACCTGTCGTCATTCATCCTAAATGTTGTAGATAACG-3'
Protein context (NP_001202.5, residues 50-70): ACNNTLQQQK[Arg60Gly]AFEYEIRFYT